The following is an entry in ClinVar:

ClinVar aggregate classification (germline): Likely pathogenic. Review status: criteria provided, multiple submitters, no conflicts (2 of 4 stars). 2 submissions from 2 submitters: Likely pathogenic (2). Last evaluated 2025-03-26.

Conditions:
Joubert syndrome 18 (JBTS18). Identifiers: Orphanet 2754, MedGen C3553758, MONDO:0013896, OMIM 614815.
Orofacial-digital syndrome IV (OFD4). Also called: BARAITSER-BURN SYNDROME; OFD SYNDROME WITH TIBIAL DEFECTS; OFD SYNDROME, BARAITSER-BURN TYPE; OFDS IV; ORAL-FACIAL-DIGITAL SYNDROME, TYPE IV; MOHR-MAJEWSKI SYNDROME. Identifiers: Orphanet 2753, MedGen C0406727, MONDO:0009794, OMIM 258860.

gnomAD v4.1: 1 of 1,602,476 alleles (0.000062%); highest among the groups gnomAD compares: East Asian, 0.0022%; no homozygotes.

Submissions (2):

Labcorp Genetics (formerly Invitae), Labcorp
Classification: Likely pathogenic for Joubert syndrome 18; Orofacial-digital syndrome IV. Last evaluated: 2025-03-26. Review status: criteria provided, single submitter. Criteria: Invitae Variant Classification Sherloc (09022015). Collection method: clinical testing. Allele origin: germline.
Comment: This sequence change affects an acceptor splice site in intron 9 of the TCTN3 gene. It is expected to disrupt RNA splicing. Variants that disrupt the donor or acceptor splice site typically lead to a loss of protein function (PMID: 16199547), and loss-of-function variants in TCTN3 are known to be pathogenic (PMID: 2692869, 22883145, 25118024). This variant is present in population databases (no rsID available, gnomAD 0.006%). This variant has not been reported in the literature in individuals affected with TCTN3-related conditions. ClinVar contains an entry for this variant (Variation ID: 3598740). Algorithms developed to predict the effect of sequence changes on RNA splicing suggest that this variant may disrupt the consensus splice site. In summary, the currently available evidence indicates that the variant is pathogenic, but additional data are needed to prove that conclusively. Therefore, this variant has been classified as Likely Pathogenic.

Fulgent Genetics
Classification: Likely pathogenic for Orofacial-digital syndrome IV; Joubert syndrome 18. Last evaluated: 2024-02-08. Review status: criteria provided, single submitter. Criteria: ACMG Guidelines, 2015. Collection method: clinical testing. Allele origin: germline.

Literature cited by the submitters: PubMed 16199547 (cited by Labcorp Genetics (formerly Invitae), Labcorp); PubMed 2692869 (cited by Labcorp Genetics (formerly Invitae), Labcorp); PubMed 22883145 (cited by Labcorp Genetics (formerly Invitae), Labcorp); PubMed 25118024 (cited by Labcorp Genetics (formerly Invitae), Labcorp).

NM_015631.6(TCTN3):c.1096-2A>G

Gene: TCTN3 (tectonic family member 3; minus strand). Cytogenetic location: 10q24.1.
Variant type: single nucleotide variant.
Coding change: c.1096-2A>G on transcript NM_015631.6 (MANE Select); the canonical splice acceptor site of the intron before coding-DNA position 1096, A replaced by G.
Molecular consequence: splice acceptor variant.
Genome position (GRCh38, 1-based): chr10:95,683,631, T>C on the plus strand (A>G on the coding strand, the complement: TCTN3 is on the minus strand). VCF-style: chr10-95683631-T-C. GRCh37 (hg19) VCF-style: chr10-97443388-T-C.
Other names: c.652-2A>G (NM_001143973.2); c.1015-2A>G (NM_001410982.1).
Identifiers: ClinVar variation 3598740 (VCV003598740.2).